The following is an entry in ClinVar:

ClinVar aggregate classification (germline): Uncertain significance (1 of 4 stars; one submission).

Submission:

GeneDx
Classification: Uncertain significance. Last evaluated: 2024-08-29. Review status: criteria provided, single submitter. Criteria: GeneDx Variant Classification Process June 2021. Collection method: clinical testing. Allele origin: germline. Affected: yes.
Comment: Not observed at significant frequency in large population cohorts (gnomAD); In silico analysis supports that this missense variant has a deleterious effect on protein structure/function; Has not been previously published as pathogenic or benign to our knowledge

NM_001353345.2(SETD1B):c.2558A>C (p.Gln853Pro)

Gene: SETD1B (SET domain containing 1B, histone lysine methyltransferase; plus strand). Cytogenetic location: 12q24.31.
Variant type: single nucleotide variant.
Coding change: c.2558A>C on transcript NM_001353345.2 (MANE Select); coding-DNA position 2558, A replaced by C.
Protein change: p.Gln853Pro; replaces glutamine 853 with proline.
Molecular consequence: missense variant.
Genome position (GRCh38, 1-based): chr12:121,814,773, A>C. VCF-style: chr12-121814773-A-C. GRCh37 (hg19) VCF-style: chr12-122252679-A-C.
Other names: short protein forms Q853P.
Identifiers: ClinVar variation 3766329 (VCV003766329.1).